The following is an entry in ClinVar:

ClinVar aggregate classification (germline): Conflicting classifications of pathogenicity. Review status: criteria provided, conflicting classifications (1 of 4 stars). 3 submissions from 3 submitters: Uncertain significance (2); Likely benign (1). Last evaluated 2024-06-07.

Conditions:
Nijmegen breakage syndrome-like disorder (NBSLD). Also called: MICROCEPHALY AND SPONTANEOUS CHROMOSOME INSTABILITY WITHOUT IMMUNODEFICIENCY; NBS-LIKE DISORDER; RAD50 DEFICIENCY. Identifiers: Orphanet 240760, MedGen C2751318, MONDO:0013118, OMIM 613078.
Hereditary cancer-predisposing syndrome. Also called: Neoplastic Syndromes, Hereditary; Tumor predisposition; Hereditary neoplastic syndrome; Hereditary Cancer Syndrome. Identifiers: Orphanet 140162, MedGen C0027672, MeSH D009386, MONDO:0015356.

Allele frequency attached by ClinVar (database versions not stated): gnomAD exomes below 0.00001; TOPMed 0.00001.
gnomAD v4.1: 1 of 1,613,194 alleles (0.000062%); highest among the groups gnomAD compares: Admixed American, 0.0017%; no homozygotes.

Submissions (3):

Ambry Genetics
Classification: Likely benign for Hereditary cancer-predisposing syndrome. Last evaluated: 2024-06-07. Review status: criteria provided, single submitter. Criteria: Ambry Variant Classification Scheme 2023. Collection method: clinical testing. Allele origin: germline.

Labcorp Genetics (formerly Invitae), Labcorp
Classification: Uncertain significance for Hereditary cancer-predisposing syndrome. Last evaluated: 2024-04-10. Review status: criteria provided, single submitter. Criteria: Invitae Variant Classification Sherloc (09022015). Collection method: clinical testing. Allele origin: germline.
Comment: This sequence change replaces glutamic acid, which is acidic and polar, with glycine, which is neutral and non-polar, at codon 1251 of the RAD50 protein (p.Glu1251Gly). This variant is not present in population databases (gnomAD no frequency). This variant has not been reported in the literature in individuals affected with RAD50-related conditions. ClinVar contains an entry for this variant (Variation ID: 580171). An algorithm developed to predict the effect of missense changes on protein structure and function (PolyPhen-2) suggests that this variant is likely to be disruptive. In summary, the available evidence is currently insufficient to determine the role of this variant in disease. Therefore, it has been classified as a Variant of Uncertain Significance.

Sema4
Classification: Uncertain significance for Nijmegen breakage syndrome-like disorder. Last evaluated: 2022-01-23. Review status: criteria provided, single submitter. Criteria: Sema4 Curation Guidelines. Collection method: curation. Allele origin: germline.
Comment: The RAD50 c.3752A>G (p.E1251G) variant has been reported in at least one individual with breast cancer (PMID: 33471991). It was not observed in the large and broad cohorts of the Genome Aggregation Database (PMID: 32461654). The variant has been reported in ClinVar (Variation ID 580171). Functional studies have not been performed, and in silico predictions of the variant's effect on protein function are inconclusive. The evidence is insufficient to meet ACMG/AMP criteria for classifying the variant as benign or pathogenic. Thus, the clinical significance of this variant is currently uncertain.

Literature cited by the submitters: PubMed 33471991 (cited by Ambry Genetics and Sema4).

NM_005732.4(RAD50):c.3752A>G (p.Glu1251Gly)

Genes: RAD50 (RAD50 double strand break repair protein; plus strand), TH2-LCR (Th2 cytokine locus control region; plus strand), TH2LCRR (T helper type 2 locus control region associated RNA; minus strand). Cytogenetic location: 5q31.1.
Variant type: single nucleotide variant.
Coding change: c.3752A>G on transcript NM_005732.4 (MANE Select); coding-DNA position 3752, A replaced by G.
Protein change: p.Glu1251Gly; replaces glutamic acid 1251 with glycine.
Molecular consequence: missense variant.
Genome position (GRCh38, 1-based): chr5:132,640,805, A>G. VCF-style: chr5-132640805-A-G. GRCh37 (hg19) VCF-style: chr5-131976497-A-G.
Other names: short protein forms E1251G.
Identifiers: ClinVar variation 580171 (VCV000580171.14), dbSNP rs1561661088, ClinGen allele CA360935135.